The following is an entry in ClinVar:

ClinVar aggregate classification (germline): Benign/Likely benign. Review status: criteria provided, multiple submitters, no conflicts (2 of 4 stars). 4 submissions from 4 submitters: Benign (2); Likely benign (2). Last evaluated 2026-01-25.

Allele frequency attached by ClinVar (database versions not stated): gnomAD exomes 0.00151 and 0.00052; ExAC 0.00204; 1000 Genomes Project 0.00539; gnomAD 0.00652 and 0.00606; TOPMed 0.00666; 1000 Genomes Project 30x 0.00578; ESP Exome Variant Server 0.00731.
gnomAD v4.1: 1,682 of 1,613,776 alleles (0.1%); highest among the groups gnomAD compares: African/African-American, 2.1%; 19 homozygotes.

Submissions (4):

Labcorp Genetics (formerly Invitae), Labcorp
Classification: Benign. Last evaluated: 2026-01-25. Review status: criteria provided, single submitter. Criteria: Invitae Variant Classification Sherloc (09022015). Collection method: clinical testing. Allele origin: germline.

GeneDx
Classification: Benign. Last evaluated: 2016-07-28. Review status: criteria provided, single submitter. Criteria: GeneDx Variant Classification (06012015). Collection method: clinical testing. Allele origin: germline. Affected: yes.
Comment: This variant is considered likely benign or benign based on one or more of the following criteria: it is a conservative change, it occurs at a poorly conserved position in the protein, it is predicted to be benign by multiple in silico algorithms, and/or has population frequency not consistent with disease.

Genetic Services Laboratory, University of Chicago
Classification: Likely benign. Last evaluated: 2015-07-20. Review status: criteria provided, single submitter. Criteria: ACMG Guidelines, 2015. Collection method: clinical testing. Allele origin: germline.

Breakthrough Genomics
Classification: Likely benign. Review status: criteria provided, single submitter. Criteria: ACMG Guidelines, 2015. Collection method: not provided. Allele origin: germline. Inheritance: Autosomal recessive inheritance. Affected: yes.

NM_006059.4(LAMC3):c.2352G>A (p.Arg784=)

Gene: LAMC3 (laminin subunit gamma 3; plus strand). Cytogenetic location: 9q34.12.
Variant type: single nucleotide variant.
Coding change: c.2352G>A on transcript NM_006059.4 (MANE Select); coding-DNA position 2352, G replaced by A.
Protein change: p.Arg784=; no amino-acid change (arginine 784 retained).
Molecular consequence: synonymous variant.
Genome position (GRCh38, 1-based): chr9:131,066,964, G>A. VCF-style: chr9-131066964-G-A. GRCh37 (hg19) VCF-style: chr9-133942351-G-A.
Identifiers: ClinVar variation 211364 (VCV000211364.17), dbSNP rs35654564, ClinGen allele CA205322.